The following is an entry in ClinVar:

ClinVar aggregate classification (germline): Uncertain significance (1 of 4 stars; one submission).

gnomAD v4.1: 1 of 1,613,820 alleles (0.000062%); highest among the groups gnomAD compares: African/African-American, 0.0013%; no homozygotes.

Submission:

Labcorp Genetics (formerly Invitae), Labcorp
Classification: Uncertain significance. Last evaluated: 2025-11-19. Review status: criteria provided, single submitter. Criteria: Invitae Variant Classification Sherloc (09022015). Collection method: clinical testing. Allele origin: germline.
Comment: This sequence change replaces isoleucine, which is neutral and non-polar, with valine, which is neutral and non-polar, at codon 1055 of the SAMD9 protein (p.Ile1055Val). This variant is not present in population databases (gnomAD no frequency). This variant has not been reported in the literature in individuals affected with SAMD9-related conditions. Invitae Evidence Modeling of protein sequence and biophysical properties (such as structural, functional, and spatial information, amino acid conservation, physicochemical variation, residue mobility, and thermodynamic stability) has been performed for this missense variant. However, the output from this modeling did not meet the statistical confidence thresholds required to predict the impact of this variant on SAMD9 protein function. In summary, the available evidence is currently insufficient to determine the role of this variant in disease. Therefore, it has been classified as a Variant of Uncertain Significance.

NM_017654.4(SAMD9):c.3163A>G (p.Ile1055Val)

Gene: SAMD9 (sterile alpha motif domain containing 9; minus strand). Cytogenetic location: 7q21.2.
Variant type: single nucleotide variant.
Coding change: c.3163A>G on transcript NM_017654.4 (MANE Select); coding-DNA position 3163, A replaced by G.
Protein change: p.Ile1055Val; replaces isoleucine 1055 with valine.
Molecular consequence: missense variant.
Genome position (GRCh38, 1-based): chr7:93,102,935, T>C on the plus strand (A>G on the coding strand, the complement: SAMD9 is on the minus strand). VCF-style: chr7-93102935-T-C. GRCh37 (hg19) VCF-style: chr7-92732248-T-C.
Other names: c.3163A>G, p.Ile1055Val (NM_001193307.2); short protein forms I1055V.
Identifiers: ClinVar variation 4802478 (VCV004802478.1).